The following is an entry in ClinVar:

ClinVar aggregate classification (germline): Benign/Likely benign. Review status: criteria provided, multiple submitters, no conflicts (2 of 4 stars). 3 submissions from 3 submitters: Benign (1); Likely benign (2). Last evaluated 2026-04-20.

Conditions:
Hereditary cancer-predisposing syndrome. Also called: Neoplastic Syndromes, Hereditary; Hereditary Cancer Syndrome; Hereditary neoplastic syndrome; Tumor predisposition. Identifiers: Orphanet 140162, MedGen C0027672, MeSH D009386, MONDO:0015356.
DICER1-related tumor predisposition. Also called: DICER1-related pleuropulmonary blastoma cancer predisposition syndrome; DICER1 syndrome. Identifiers: Orphanet 284343, MedGen C3839822, MONDO:0100216.

Allele frequency attached by ClinVar (database versions not stated): gnomAD 0.00001.
gnomAD v4.1: 7 of 1,613,980 alleles (0.00043%); highest among the groups gnomAD compares: African/African-American, 0.008%; no homozygotes.

Submissions (3):

Myriad Genetics, Inc.
Classification: Benign for DICER1-related tumor predisposition. Last evaluated: 2026-04-20. Review status: criteria provided, single submitter. Criteria: Myriad Autosomal Dominant, Autosomal Recessive and X-Linked Classification Criteria (2023). Collection method: clinical testing. Allele origin: unknown.
Comment: This variant is considered benign. This variant is a silent/synonymous amino acid change and it is not expected to impact splicing.

Labcorp Genetics (formerly Invitae), Labcorp
Classification: Likely benign for DICER1-related tumor predisposition. Last evaluated: 2025-12-10. Review status: criteria provided, single submitter. Criteria: Invitae Variant Classification Sherloc (09022015). Collection method: clinical testing. Allele origin: germline.

Ambry Genetics
Classification: Likely benign for Hereditary cancer-predisposing syndrome. Last evaluated: 2018-07-31. Review status: criteria provided, single submitter. Criteria: Ambry Variant Classification Scheme 2023. Collection method: clinical testing. Allele origin: germline.

NM_177438.3(DICER1):c.5184C>T (p.Ser1728=)

Gene: DICER1 (dicer 1, ribonuclease III; minus strand). Cytogenetic location: 14q32.13.
Variant type: single nucleotide variant.
Coding change: c.5184C>T on transcript NM_177438.3 (MANE Select); coding-DNA position 5184, C replaced by T.
Protein change: p.Ser1728=; no amino-acid change (serine 1728 retained).
Molecular consequence: synonymous variant.
Genome position (GRCh38, 1-based): chr14:95,094,068, G>A on the plus strand (C>T on the coding strand, the complement: DICER1 is on the minus strand). VCF-style: chr14-95094068-G-A. GRCh37 (hg19) VCF-style: chr14-95560405-G-A.
Other names: c.5184C>T, p.Ser1728= (NM_001195573.1, NM_001271282.3, NM_001291628.2 and 1 more transcripts).
Identifiers: ClinVar variation 543715 (VCV000543715.16), dbSNP rs202004554, ClinGen allele CA487843912.